The following is an entry in ClinVar:

NM_001711.6(BGN):c.239G>T (p.Gly80Val)

Gene: BGN (biglycan; plus strand). Cytogenetic location: Xq28.
Variant type: single nucleotide variant.
Coding change: c.239G>T on transcript NM_001711.6 (MANE Select); coding-DNA position 239, G replaced by T.
Protein change: p.Gly80Val; replaces glycine 80 with valine.
Molecular consequence: missense variant.
Genome position (GRCh38, 1-based): chrX:153,505,238, G>T. VCF-style: chrX-153505238-G-T. GRCh37 (hg19) VCF-style: chrX-152770696-G-T.
Other names: c.239G>T (NM_001711.4); short protein forms G80V.
Identifiers: ClinVar variation 3621221 (VCV003621221.3).

ClinVar aggregate classification (germline): Uncertain significance. Review status: criteria provided, multiple submitters, no conflicts (2 of 4 stars). 2 submissions from 2 submitters: Uncertain significance (2). Last evaluated 2025-02-13.

Conditions:
Cardiovascular phenotype. Identifiers: MedGen CN230736.

Submissions (2):

Ambry Genetics
Classification: Uncertain significance for Cardiovascular phenotype. Last evaluated: 2025-02-13. Review status: criteria provided, single submitter. Criteria: Ambry Variant Classification Scheme 2023. Collection method: clinical testing. Allele origin: germline.
Comment: The p.G80V variant (also known as c.239G>T) is located in coding exon 2 of the BGN gene. The glycine at codon 80 is replaced by valine, an amino acid with dissimilar properties. This change occurs in the first base pair of coding exon 2. This amino acid position is conserved. In addition, this alteration is predicted to be deleterious by in silico analysis. Based on the available evidence, the clinical significance of this variant remains unclear.

Labcorp Genetics (formerly Invitae), Labcorp
Classification: Uncertain significance. Last evaluated: 2024-04-27. Review status: criteria provided, single submitter. Criteria: Invitae Variant Classification Sherloc (09022015). Collection method: clinical testing. Allele origin: germline.
Comment: This sequence change replaces glycine, which is neutral and non-polar, with valine, which is neutral and non-polar, at codon 80 of the BGN protein (p.Gly80Val). This variant is not present in population databases (gnomAD no frequency). This variant has not been reported in the literature in individuals affected with BGN-related conditions. An algorithm developed to predict the effect of missense changes on protein structure and function (PolyPhen-2) suggests that this variant is likely to be disruptive. Algorithms developed to predict the effect of sequence changes on RNA splicing suggest that this variant may create or strengthen a splice site. In summary, the available evidence is currently insufficient to determine the role of this variant in disease. Therefore, it has been classified as a Variant of Uncertain Significance.